The following is an entry in ClinVar:

NM_004208.4(AIFM1):c.72C>T (p.Cys24=)

Genes: AIFM1 (apoptosis inducing factor mitochondria associated 1; minus strand), RAB33A (RAB33A, member RAS oncogene family; plus strand), LOC130068679 (ATAC-STARR-seq lymphoblastoid active region 29939; plus strand). Cytogenetic location: Xq26.1.
Variant type: single nucleotide variant.
Coding change: c.72C>T on transcript NM_004208.4 (MANE Select); coding-DNA position 72, C replaced by T.
Protein change: p.Cys24=; no amino-acid change (cysteine 24 retained).
Molecular consequence: synonymous variant. On other transcripts: non-coding transcript variant (1).
Genome position (GRCh38, 1-based): chrX:130,165,585, G>A on the plus strand (C>T on the coding strand, the complement: AIFM1 is on the minus strand). VCF-style: chrX-130165585-G-A. GRCh37 (hg19) VCF-style: chrX-129299559-G-A.
Other names: p.Cys24=; c.72C>T, p.Cys24= (NM_001130847.4, NM_145812.3).
Identifiers: ClinVar variation 367894 (VCV000367894.65), dbSNP rs373609902, ClinGen allele CA10515542.

ClinVar aggregate classification (germline): Benign/Likely benign. Review status: criteria provided, multiple submitters, no conflicts (2 of 4 stars). 12 submissions from 12 submitters: Benign (2); Likely benign (6). 4 of the submissions do not count toward it. Last evaluated 2025-11-16.

Conditions:
Charcot-Marie-Tooth Neuropathy X. Identifiers: MedGen CN118851.
Combined oxidative phosphorylation deficiency. Identifiers: MedGen C4540031, MONDO:0000732.
Charcot-Marie-Tooth disease. Also called: Charcot-Marie-Tooth Neuropathy; Charcot-Marie-Tooth Hereditary Neuropathy. Identifiers: Orphanet 166, MedGen C0007959, MONDO:0015626.
AIFM1-related disorder. Also called: AIFM1-related condition.
Severe X-linked mitochondrial encephalomyopathy. Also called: ENCEPHALOMYOPATHY, MITOCHONDRIAL, X-LINKED. Identifiers: Orphanet 238329, MedGen C3151753, MONDO:0010437, OMIM 300816.

Allele frequency attached by ClinVar (database versions not stated): 1000 Genomes Project 30x 0.00042; gnomAD 0.00049 and 0.00051; 1000 Genomes Project 0.00053; ExAC 0.00062; gnomAD exomes 0.00071 and 0.00030; ESP Exome Variant Server 0.00028; TOPMed 0.00040.
gnomAD v4.1: 807 of 1,199,365 alleles (0.067%); highest among the groups gnomAD compares: Non-Finnish European, 0.086%; 2 homozygotes.

Submissions (12):

Labcorp Genetics (formerly Invitae), Labcorp
Classification: Benign for Charcot-Marie-Tooth Neuropathy X; Combined oxidative phosphorylation deficiency. Last evaluated: 2025-11-16. Review status: criteria provided, single submitter. Criteria: Invitae Variant Classification Sherloc (09022015). Collection method: clinical testing. Allele origin: germline.

PreventionGenetics, part of Exact Sciences
Classification: Likely benign for AIFM1-related condition. Last evaluated: 2025-08-13. Review status: criteria provided, single submitter. Criteria: ACMG Guidelines, 2015. Collection method: clinical testing. Allele origin: germline.
Comment: This variant is classified as likely benign based on ACMG/AMP sequence variant interpretation guidelines (Richards et al. 2015 PMID: 25741868, with internal and published modifications).

Mayo Clinic Laboratories, Mayo Clinic
Classification: Likely benign. Last evaluated: 2025-04-29. Review status: criteria provided, single submitter. Criteria: ACMG Guidelines, 2015. Collection method: clinical testing. Allele origin: germline. Observed: 1 variant allele.
Comment: BP4, BP7

Blueprint Genetics
Classification: Likely benign. Last evaluated: 2024-08-23. Review status: criteria provided, single submitter. Criteria: ACMG Guidelines, 2015. Collection method: clinical testing. Allele origin: germline.

CeGaT Center for Human Genetics Tuebingen
Classification: Likely benign. Last evaluated: 2023-06-01. Review status: criteria provided, single submitter. Criteria: CeGaT Center For Human Genetics Tuebingen Variant Classification Criteria Version 2. Collection method: clinical testing. Allele origin: germline. Affected: yes. Observed: 5 variant alleles.
Comment: AIFM1: BP4, BP7, BS2

GeneDx
Classification: Likely benign. Last evaluated: 2020-05-04. Review status: criteria provided, single submitter. Criteria: GeneDx Variant Classification Process June 2021. Collection method: clinical testing. Allele origin: germline. Affected: yes.

Illumina Laboratory Services, Illumina
Classification: Benign for Severe X-linked mitochondrial encephalomyopathy. Last evaluated: 2018-01-12. Review status: criteria provided, single submitter. Criteria: ICSL Variant Classification Criteria 13 December 2019. Collection method: clinical testing. Allele origin: germline.
Comment: This variant was observed in the ICSL laboratory as part of a predisposition screen in an ostensibly healthy population. It had not been previously curated by ICSL or reported in the Human Gene Mutation Database (HGMD: prior to June 1st, 2018), and was therefore a candidate for classification through an automated scoring system. Utilizing variant allele frequency, disease prevalence and penetrance estimates, and inheritance mode, an automated score was calculated to assess if this variant is too frequent to cause the disease. Based on the score and internal cut-off values, a variant classified as benign is not then subjected to further curation. The score for this variant resulted in a classification of benign for this disease.

Molecular Genetics Laboratory, London Health Sciences Centre
Classification: Likely benign for Charcot-Marie-Tooth disease. Review status: criteria provided, single submitter. Criteria: ACMG Guidelines, 2015. Collection method: clinical testing. Allele origin: germline. Affected: yes.

Clinical Genetics DNA and cytogenetics Diagnostics Lab, Erasmus MC, Erasmus Medical Center
Classification: Likely benign. Review status: no assertion criteria provided. Collection method: clinical testing. Allele origin: germline. Affected: yes. Study: VKGL Data-share Consensus. Not counted in ClinVar's aggregate classification.

Clinical Genetics, Academic Medical Center
Classification: Likely benign. Review status: no assertion criteria provided. Collection method: clinical testing. Allele origin: germline. Affected: yes. Study: VKGL Data-share Consensus. Not counted in ClinVar's aggregate classification.

Diagnostic Laboratory, Department of Genetics, University Medical Center Groningen
Classification: Likely benign. Review status: no assertion criteria provided. Collection method: clinical testing. Allele origin: germline. Affected: yes. Study: VKGL Data-share Consensus. Not counted in ClinVar's aggregate classification.

Genome Diagnostics Laboratory, University Medical Center Utrecht
Classification: Likely benign. Review status: no assertion criteria provided. Collection method: clinical testing. Allele origin: germline. Affected: yes. Study: VKGL Data-share Consensus. Not counted in ClinVar's aggregate classification.